The following is an entry in ClinVar:

ClinVar aggregate classification (germline): Likely benign (0 of 4 stars; one submission).

Conditions:
NPHP4-related disorder. Also called: NPHP4-related condition; NPHP4-related disorders. Identifiers: MedGen CN239384.

Submission:

PreventionGenetics, part of Exact Sciences
Classification: Likely benign for NPHP4-related condition. Last evaluated: 2021-07-09. Review status: no assertion criteria provided. Collection method: clinical testing. Allele origin: germline.
Comment: This variant is classified as likely benign based on ACMG/AMP sequence variant interpretation guidelines (Richards et al. 2015 PMID: 25741868, with internal and published modifications).

NM_015102.5(NPHP4):c.1955+6del

Gene: NPHP4 (nephrocystin 4; minus strand). Cytogenetic location: 1p36.31.
Variant type: Deletion.
Coding change: c.1955+6del on transcript NM_015102.5 (MANE Select); 6 bases into the intron after coding-DNA position 1955, one base deleted (T; older notation c.1955+6delT).
Molecular consequence: intron variant.
Genome position (GRCh38, 1-based): chr1:5,905,286, A deleted on the plus strand (T on the coding strand, the reverse complement: NPHP4 is on the minus strand). VCF-style (leftmost placement, unchanged base first): chr1-5905285-GA-G. GRCh37 (hg19) VCF-style: chr1-5965345-GA-G.
Other names: c.419+6del (NM_001291594.2); c.416+6del (NM_001291593.2).
Identifiers: ClinVar variation 3030074 (VCV003030074.2), dbSNP rs2521482838, ClinGen allele CA2740090565.